The following is an entry in ClinVar:

ClinVar aggregate classification (germline): Uncertain significance (1 of 4 stars; one submission).

gnomAD v4.1: 1 of 1,614,154 alleles (0.000062%); no homozygotes.

Submission:

Ambry Genetics
Classification: Uncertain significance. Last evaluated: 2025-07-28. Review status: criteria provided, single submitter. Criteria: Ambry Variant Classification Scheme 2023. Collection method: clinical testing. Allele origin: germline.
Comment: The p.S1490N variant (also known as c.4469G>A), located in coding exon 40 of the KIF1B gene, results from a G to A substitution at nucleotide position 4469. The serine at codon 1490 is replaced by asparagine, an amino acid with highly similar properties. This amino acid position is conserved. In addition, this alteration is predicted to be tolerated by in silico analysis. Since supporting evidence is limited at this time, the clinical significance of this alteration remains unclear.

NM_001365951.3(KIF1B):c.4607G>A (p.Ser1536Asn)

Gene: KIF1B (kinesin family member 1B; plus strand). Cytogenetic location: 1p36.22.
Variant type: single nucleotide variant.
Coding change: c.4607G>A on transcript NM_001365951.3 (MANE Select); coding-DNA position 4607, G replaced by A.
Protein change: p.Ser1536Asn; replaces serine 1536 with asparagine.
Molecular consequence: missense variant.
Genome position (GRCh38, 1-based): chr1:10,365,503, G>A. VCF-style: chr1-10365503-G-A. GRCh37 (hg19) VCF-style: chr1-10425561-G-A.
Other names: c.4607G>A, p.Ser1536Asn (NM_001365952.1); c.4469G>A, p.Ser1490Asn (NM_015074.3); short protein forms S1490N, S1536N.
Identifiers: ClinVar variation 2497119 (VCV002497119.3), dbSNP rs2521914950, ClinGen allele CA338322030.